The following is an entry in ClinVar:

ClinVar aggregate classification (germline): Uncertain significance. Review status: criteria provided, multiple submitters, no conflicts (2 of 4 stars). 2 submissions from 2 submitters: Uncertain significance (2). Last evaluated 2024-10-07.

Allele frequency attached by ClinVar (database versions not stated): gnomAD exomes below 0.00001; TOPMed 0.00001.
gnomAD v4.1: 3 of 1,597,516 alleles (0.00019%); highest among the groups gnomAD compares: Non-Finnish European, 0.00026%; no homozygotes.

Submissions (2):

Ambry Genetics
Classification: Uncertain significance. Last evaluated: 2024-10-07. Review status: criteria provided, single submitter. Criteria: Ambry Variant Classification Scheme 2023. Collection method: clinical testing. Allele origin: germline.

Labcorp Genetics (formerly Invitae), Labcorp
Classification: Uncertain significance. Last evaluated: 2022-03-02. Review status: criteria provided, single submitter. Criteria: Invitae Variant Classification Sherloc (09022015). Collection method: clinical testing. Allele origin: germline.
Comment: In summary, the available evidence is currently insufficient to determine the role of this variant in disease. Therefore, it has been classified as a Variant of Uncertain Significance. Algorithms developed to predict the effect of missense changes on protein structure and function (SIFT, PolyPhen-2, Align-GVGD) all suggest that this variant is likely to be tolerated. This variant has not been reported in the literature in individuals affected with IL12RB2-related conditions. This variant is present in population databases (no rsID available, gnomAD 0.0009%). This sequence change replaces valine, which is neutral and non-polar, with alanine, which is neutral and non-polar, at codon 252 of the IL12RB2 protein (p.Val252Ala).

NM_001374259.2(IL12RB2):c.755T>C (p.Val252Ala)

Gene: IL12RB2 (interleukin 12 receptor subunit beta 2; plus strand). Cytogenetic location: 1p31.3.
Variant type: single nucleotide variant.
Coding change: c.755T>C on transcript NM_001374259.2 (MANE Select); coding-DNA position 755, T replaced by C.
Protein change: p.Val252Ala; replaces valine 252 with alanine.
Molecular consequence: missense variant. On other transcripts: non-coding transcript variant (2).
Genome position (GRCh38, 1-based): chr1:67,329,677, T>C. VCF-style: chr1-67329677-T-C. GRCh37 (hg19) VCF-style: chr1-67795360-T-C.
Other names: c.755T>C (NM_001559.2); c.755T>C, p.Val252Ala (NM_001258214.1, NM_001258215.1, NM_001258216.1 and 2 more transcripts); short protein forms V252A.
Identifiers: ClinVar variation 1482317 (VCV001482317.7), dbSNP rs1380169444, ClinGen allele CA340733818.
Genomic context (GRCh38, chr1:67,329,677, plus strand): 5'-TCAAATTTCAAAAGGCTTCTGTGAGCAGATGTACCCTTTATTGGAGAGATGAGGGACTGG[T>C]ACTGCTTAATCGACTCAGATATCGGCCCAGTAACAGCAGGCTCTGGAATATGGTAATTAT-3'
Protein context (NP_001361188.1, residues 242-262): CTLYWRDEGL[Val252Ala]LLNRLRYRPS